The following is an entry in ClinVar:

ClinVar aggregate classification (germline): Benign. Review status: criteria provided, multiple submitters, no conflicts (2 of 4 stars). 6 submissions from 6 submitters: Benign (6). Last evaluated 2025-11-10.

Conditions:
Hereditary breast ovarian cancer syndrome. Also called: Hereditary breast and ovarian cancer syndrome (HBOC); Breast and ovarian cancer; Hereditary breast and ovarian cancer syndrome; Hereditary breast and ovarian cancer; Hereditary breast and/or ovarian cancer syndrome; BRCA1- and BRCA2-Associated Hereditary Breast and Ovarian Cancer. Identifiers: Orphanet 145, MedGen C0677776, MeSH D061325, MONDO:0003582. Disease mechanism: loss of function.
Fanconi anemia (FA). Also called: Fanconi's anemia. Identifiers: Orphanet 84, MedGen C0015625, MeSH D005199, MONDO:0019391.
Fanconi anemia complementation group A (FANCA). Also called: Fanconi anemia, group A; FANCA-Related Fanconi Anemia. Identifiers: Orphanet 84, MedGen C3469521, MONDO:0009215, OMIM 227650.
Fanconi anemia complementation group D2. Also called: FANCD2-Related Fanconi Anemia; FANCONI PANCYTOPENIA, TYPE 4; FANCONI ANEMIA, COMPLEMENTATION GROUP D. Identifiers: Orphanet 84, MedGen C3160738, MONDO:0009214, OMIM 227646.

Allele frequency attached by ClinVar (database versions not stated): ExAC 0.37450; 1000 Genomes Project 30x 0.43051.

Submissions (6):

Labcorp Genetics (formerly Invitae), Labcorp
Classification: Benign for Fanconi anemia. Last evaluated: 2025-11-10. Review status: criteria provided, single submitter. Criteria: Invitae Variant Classification Sherloc (09022015). Collection method: clinical testing. Allele origin: germline.

ARUP Laboratories, Molecular Genetics and Genomics, ARUP Laboratories
Classification: Benign for Fanconi anemia complementation group D2. Last evaluated: 2025-07-14. Review status: criteria provided, single submitter. Criteria: ARUP Molecular Germline Variant Investigation Process 2024. Collection method: clinical testing. Allele origin: germline.

National Health Laboratory Service, Universitas Academic Hospital and University of the Free State
Classification: Benign for Hereditary breast ovarian cancer syndrome. Last evaluated: 2022-04-19. Review status: criteria provided, single submitter. Criteria: ACMG Guidelines, 2015. Collection method: clinical testing. Allele origin: germline. Affected: yes. Observed: 4 variant alleles.

Mendelics
Classification: Benign for Fanconi anemia complementation group A. Last evaluated: 2019-05-28. Review status: criteria provided, single submitter. Criteria: Mendelics Assertion Criteria 2017. Collection method: clinical testing. Allele origin: unknown.

Illumina Laboratory Services, Illumina
Classification: Benign for Fanconi anemia complementation group D2. Last evaluated: 2017-04-27. Review status: criteria provided, single submitter. Criteria: ICSL Variant Classification Criteria 13 December 2019. Collection method: clinical testing. Allele origin: germline.
Comment: This variant was observed as part of a predisposition screen in an ostensibly healthy population. A literature search was performed for the gene, cDNA change, and amino acid change (where applicable). No publications were found based on this search. Allele frequency data from public databases was too high to be consistent with this variant causing disease. Therefore, this variant is classified as benign.

Breakthrough Genomics
Classification: Benign. Review status: criteria provided, single submitter. Criteria: ACMG Guidelines, 2015. Collection method: not provided. Allele origin: germline. Inheritance: Autosomal recessive inheritance. Affected: yes.

NM_001018115.3(FANCD2):c.1137G>T (p.Val379=)

Genes: FANCD2 (FA complementation group D2; plus strand), LOC107303338 (3p25 FANCD2 Alu-mediated recombination region; plus strand). Cytogenetic location: 3p25.3.
Variant type: single nucleotide variant.
Coding change: c.1137G>T on transcript NM_001018115.3 (MANE Select); coding-DNA position 1137, G replaced by T.
Protein change: p.Val379=; no amino-acid change (valine 379 retained).
Molecular consequence: synonymous variant.
Genome position (GRCh38, 1-based): chr3:10,046,582, G>T. VCF-style: chr3-10046582-G-T. GRCh37 (hg19) VCF-style: chr3-10088266-G-T.
Other names: NP_001018125.1:p.Val379=; c.1137G>T, p.Val379= (NM_001319984.2, NM_001374253.1, NM_001374254.1 and 1 more transcripts).
Identifiers: ClinVar variation 342260 (VCV000342260.19), dbSNP rs72492997, ClinGen allele CA2249531.
Genomic context (GRCh38, chr3:10,046,582, plus strand): 5'-TAGCAAATGTACTGATTTGTTAACTGTTTTTCTGTTGTTGCATATTTATTGACAATAGGT[G>T]TTTGACCTGGTGATGCTTTTCATCATCTATAGCACCAATACTCAGACAAAGAAGTACATT-3'
Protein context (NP_001018125.1, residues 369-389): ENTASVSEHK[Val379=]FDLVMLFIIY